The following is an entry in ClinVar:

ClinVar aggregate classification (germline): Uncertain significance. Review status: criteria provided, multiple submitters, no conflicts (2 of 4 stars). 2 submissions from 2 submitters: Uncertain significance (2). Last evaluated 2024-08-28.

Allele frequency attached by ClinVar (database versions not stated): ExAC 0.00001.
gnomAD v4.1: 22 of 1,614,078 alleles (0.0014%); highest among the groups gnomAD compares: Middle Eastern, 0.016%; no homozygotes.

Submissions (2):

Blueprint Genetics
Classification: Uncertain significance. Last evaluated: 2024-08-28. Review status: criteria provided, single submitter. Criteria: ACMG Guidelines, 2015. Collection method: clinical testing. Allele origin: germline.

Labcorp Genetics (formerly Invitae), Labcorp
Classification: Uncertain significance. Last evaluated: 2022-09-07. Review status: criteria provided, single submitter. Criteria: Invitae Variant Classification Sherloc (09022015). Collection method: clinical testing. Allele origin: germline.
Comment: In summary, the available evidence is currently insufficient to determine the role of this variant in disease. Therefore, it has been classified as a Variant of Uncertain Significance. Algorithms developed to predict the effect of missense changes on protein structure and function output the following: SIFT: "Tolerated"; PolyPhen-2: "Benign"; Align-GVGD: "Class C0". The histidine amino acid residue is found in multiple mammalian species, which suggests that this missense change does not adversely affect protein function. This variant has not been reported in the literature in individuals affected with SLC4A1-related conditions. This variant is present in population databases (rs372860708, gnomAD 0.003%). This sequence change replaces arginine, which is basic and polar, with histidine, which is basic and polar, at codon 80 of the SLC4A1 protein (p.Arg80His).

NM_000342.4(SLC4A1):c.239G>A (p.Arg80His)

Gene: SLC4A1 (solute carrier family 4 member 1 (Diego blood group); minus strand). Cytogenetic location: 17q21.31.
Variant type: single nucleotide variant.
Coding change: c.239G>A on transcript NM_000342.4 (MANE Select); coding-DNA position 239, G replaced by A.
Protein change: p.Arg80His; replaces arginine 80 with histidine.
Molecular consequence: missense variant.
Genome position (GRCh38, 1-based): chr17:44,260,745, C>T on the plus strand (G>A on the coding strand, the complement: SLC4A1 is on the minus strand). VCF-style: chr17-44260745-C-T. GRCh37 (hg19) VCF-style: chr17-42338113-C-T.
Other names: short protein forms R80H.
Identifiers: ClinVar variation 2190242 (VCV002190242.5), dbSNP rs372860708, ClinGen allele CA8600657.